The following is an entry in ClinVar:

NM_152383.5(DIS3L2):c.2569C>A (p.Leu857Met)

Gene: DIS3L2 (DIS3 like 3'-5' exoribonuclease 2; plus strand). Cytogenetic location: 2q37.1.
Variant type: single nucleotide variant.
Coding change: c.2569C>A on transcript NM_152383.5 (MANE Select); coding-DNA position 2569, C replaced by A.
Protein change: p.Leu857Met; replaces leucine 857 with methionine.
Molecular consequence: missense variant. On other transcripts: non-coding transcript variant (2), intron variant (1).
Genome position (GRCh38, 1-based): chr2:232,336,541, C>A. VCF-style: chr2-232336541-C-A. GRCh37 (hg19) VCF-style: chr2-233201251-C-A.
Other names: c.1582-6804C>A (NM_001257281.2); short protein forms L857M.
Identifiers: ClinVar variation 1995489 (VCV001995489.4), dbSNP rs750511176, ClinGen allele CA350978984.

ClinVar aggregate classification (germline): Uncertain significance (1 of 4 stars; one submission).

Conditions:
Perlman syndrome (PRLMNS). Identifiers: Orphanet 2849, MedGen C0796113, MONDO:0009965, OMIM 267000.

Submission:

Labcorp Genetics (formerly Invitae), Labcorp
Classification: Uncertain significance for Perlman syndrome. Last evaluated: 2022-08-27. Review status: criteria provided, single submitter. Criteria: Invitae Variant Classification Sherloc (09022015). Collection method: clinical testing. Allele origin: germline.
Comment: In summary, the available evidence is currently insufficient to determine the role of this variant in disease. Therefore, it has been classified as a Variant of Uncertain Significance. Algorithms developed to predict the effect of missense changes on protein structure and function are either unavailable or do not agree on the potential impact of this missense change (SIFT: "Deleterious"; PolyPhen-2: "Probably Damaging"; Align-GVGD: "Class C0"). This variant has not been reported in the literature in individuals affected with DIS3L2-related conditions. This variant is not present in population databases (gnomAD no frequency). This sequence change replaces leucine, which is neutral and non-polar, with methionine, which is neutral and non-polar, at codon 857 of the DIS3L2 protein (p.Leu857Met).